The following is an entry in ClinVar:

NM_178012.5(TUBB2B):c.625G>A (p.Asp209Asn)

Gene: TUBB2B (tubulin beta 2B class IIb; minus strand). Cytogenetic location: 6p25.2.
Variant type: single nucleotide variant.
Coding change: c.625G>A on transcript NM_178012.5 (MANE Select); coding-DNA position 625, G replaced by A.
Protein change: p.Asp209Asn; replaces aspartic acid 209 with asparagine.
Molecular consequence: missense variant.
Genome position (GRCh38, 1-based): chr6:3,225,464, C>T on the plus strand (G>A on the coding strand, the complement: TUBB2B is on the minus strand). VCF-style: chr6-3225464-C-T. GRCh37 (hg19) VCF-style: chr6-3225698-C-T.
Other names: short protein forms D209N.
Identifiers: ClinVar variation 4740998 (VCV004740998.1).

ClinVar aggregate classification (germline): Likely pathogenic (1 of 4 stars; one submission).

Submission:

Labcorp Genetics (formerly Invitae), Labcorp
Classification: Likely pathogenic. Last evaluated: 2025-06-11. Review status: criteria provided, single submitter. Criteria: Invitae Variant Classification Sherloc (09022015). Collection method: clinical testing. Allele origin: germline.
Comment: This sequence change replaces aspartic acid, which is acidic and polar, with asparagine, which is neutral and polar, at codon 209 of the TUBB2B protein (p.Asp209Asn). This variant is not present in population databases (gnomAD no frequency). This missense change has been observed in individual(s) with cortical malformations (internal data). In at least one individual the variant was observed to be de novo. Invitae Evidence Modeling of protein sequence and biophysical properties (such as structural, functional, and spatial information, amino acid conservation, physicochemical variation, residue mobility, and thermodynamic stability) indicates that this missense variant is not expected to disrupt TUBB2B protein function with a negative predictive value of 80%. In summary, the currently available evidence indicates that the variant is pathogenic, but additional data are needed to prove that conclusively. Therefore, this variant has been classified as Likely Pathogenic.